The following is an entry in ClinVar:

ClinVar aggregate classification (germline): Conflicting classifications of pathogenicity. Review status: criteria provided, conflicting classifications (1 of 4 stars). 6 submissions from 6 submitters: Uncertain significance (1); Benign (2); Likely benign (3). Last evaluated 2026-01-03.

Allele frequency attached by ClinVar (database versions not stated): gnomAD 0.00014 and 0.00012; TOPMed 0.00017.
gnomAD v4.1: 133 of 1,614,044 alleles (0.0082%); highest among the groups gnomAD compares: Admixed American, 0.2%; 2 homozygotes.

Submissions (6):

Labcorp Genetics (formerly Invitae), Labcorp
Classification: Benign. Last evaluated: 2026-01-03. Review status: criteria provided, single submitter. Criteria: Invitae Variant Classification Sherloc (09022015). Collection method: clinical testing. Allele origin: germline.

Blueprint Genetics
Classification: Likely benign. Last evaluated: 2024-05-21. Review status: criteria provided, single submitter. Criteria: ACMG Guidelines, 2015. Collection method: clinical testing. Allele origin: germline.

Women's Health and Genetics/Laboratory Corporation of America, LabCorp
Classification: Likely benign. Last evaluated: 2022-09-21. Review status: criteria provided, single submitter. Criteria: LabCorp Variant Classification Summary - May 2015. Collection method: clinical testing. Allele origin: germline.

Eurofins Ntd Llc (ga)
Classification: Uncertain significance. Last evaluated: 2018-03-12. Review status: criteria provided, single submitter. Criteria: EGL ClinVar v180209 classification definitions. Collection method: clinical testing. Allele origin: germline. Observed: 1 variant allele, 1 heterozygote.

Laboratory for Molecular Medicine, Mass General Brigham Personalized Medicine
Classification: Likely benign. Last evaluated: 2015-12-31. Review status: criteria provided, single submitter. Criteria: LMM Criteria. Collection method: clinical testing. Allele origin: germline. Observed: 2 variant alleles.
Comment: p.Thr4839Thr in exon 66 of USH2A: This variant is not expected to have clinical significance because it does not alter an amino acid residue and is not located within the splice consensus sequence. It has been identified in 0.2% (22/11576) of Latino chromosomes by the Exome Aggregation Consortium (ExAC; dbSNP rs397517991).

GeneDx
Classification: Benign. Last evaluated: 2012-04-26. Review status: criteria provided, single submitter. Criteria: GeneDx Variant Classification (06012015). Collection method: clinical testing. Allele origin: germline. Affected: yes.
Comment: This variant is considered likely benign or benign based on one or more of the following criteria: it is a conservative change, it occurs at a poorly conserved position in the protein, it is predicted to be benign by multiple in silico algorithms, and/or has population frequency not consistent with disease.

NM_206933.4(USH2A):c.14517G>A (p.Thr4839=)

Gene: USH2A (usherin; minus strand). Cytogenetic location: 1q41.
Variant type: single nucleotide variant.
Coding change: c.14517G>A on transcript NM_206933.4 (MANE Select); coding-DNA position 14517, G replaced by A.
Protein change: p.Thr4839=; no amino-acid change (threonine 4839 retained).
Molecular consequence: synonymous variant.
Genome position (GRCh38, 1-based): chr1:215,648,593, C>T on the plus strand (G>A on the coding strand, the complement: USH2A is on the minus strand). VCF-style: chr1-215648593-C-T. GRCh37 (hg19) VCF-style: chr1-215821935-C-T.
Other names: p.T4839T:ACG>ACA.
Identifiers: ClinVar variation 48441 (VCV000048441.23), dbSNP rs397517991, ClinGen allele CA143358.